The following is an entry in ClinVar:

NM_001004356.3(FGFRL1):c.328G>A (p.Val110Ile)

Gene: FGFRL1 (fibroblast growth factor receptor like 1; plus strand). Cytogenetic location: 4p16.3.
Variant type: single nucleotide variant.
Coding change: c.328G>A on transcript NM_001004356.3 (MANE Select); coding-DNA position 328, G replaced by A.
Protein change: p.Val110Ile; replaces valine 110 with isoleucine.
Molecular consequence: missense variant.
Genome position (GRCh38, 1-based): chr4:1,022,451, G>A. VCF-style: chr4-1022451-G-A. GRCh37 (hg19) VCF-style: chr4-1016239-G-A.
Other names: c.328G>A, p.Val110Ile (NM_001004358.1, NM_001370296.1, NM_021923.3); short protein forms V110I.
Identifiers: ClinVar variation 4705636 (VCV004705636.1).
Genomic context (GRCh38, chr4:1,022,451, plus strand): 5'-GAGCGGGAGGATGCCGGCGTGTACGTGTGCAAGGCCACCAACGGCTTCGGCAGCCTGAGC[G>A]TCAACTACACCCTCGTCGTGCTGGGTTAGTCGCTGCTGCGGTCAGAGGTCATGGGCTGGG-3'
Protein context (NP_001004356.1, residues 100-120): KATNGFGSLS[Val110Ile]NYTLVVLDDI

ClinVar aggregate classification (germline): Uncertain significance (1 of 4 stars; one submission).

gnomAD v4.1: 22 of 1,607,960 alleles (0.0014%); highest among the groups gnomAD compares: African/African-American, 0.015%; no homozygotes.

Submission:

Labcorp Genetics (formerly Invitae), Labcorp
Classification: Uncertain significance. Last evaluated: 2025-04-17. Review status: criteria provided, single submitter. Criteria: Invitae Variant Classification Sherloc (09022015). Collection method: clinical testing. Allele origin: germline.
Comment: This sequence change replaces valine, which is neutral and non-polar, with isoleucine, which is neutral and non-polar, at codon 110 of the FGFRL1 protein (p.Val110Ile). This variant is present in population databases (rs372607043, gnomAD 0.01%). This variant has not been reported in the literature in individuals affected with FGFRL1-related conditions. An algorithm developed to predict the effect of missense changes on protein structure and function (PolyPhen-2) suggests that this variant is likely to be tolerated. In summary, the available evidence is currently insufficient to determine the role of this variant in disease. Therefore, it has been classified as a Variant of Uncertain Significance.